The following is an entry in ClinVar:

NM_003737.4(DCHS1):c.5580C>G (p.Tyr1860Ter)

Gene: DCHS1 (dachsous cadherin-related 1; minus strand). Cytogenetic location: 11p15.4.
Variant type: single nucleotide variant.
Coding change: c.5580C>G on transcript NM_003737.4 (MANE Select); coding-DNA position 5580, C replaced by G.
Protein change: p.Tyr1860Ter; replaces tyrosine 1860 with a stop codon.
Molecular consequence: nonsense.
Genome position (GRCh38, 1-based): chr11:6,627,459, G>C on the plus strand (C>G on the coding strand, the complement: DCHS1 is on the minus strand). VCF-style: chr11-6627459-G-C. GRCh37 (hg19) VCF-style: chr11-6648690-G-C.
Other names: short protein forms Y1860*.
Identifiers: ClinVar variation 2036143 (VCV002036143.4), dbSNP rs1436928058, ClinGen allele CA379394104.
Genomic context (GRCh38, chr11:6,627,459, plus strand): 5'-ATGAGCCTGTAGCTGCAGCAGCAGGGTCCCTGCAGGCACATCCTCCGGCACCTCCACCGA[G>C]TAGGCAGGCACAGGAAAGGCTGGAGCATGGTCATTGGCATCCAGCACTGTCACTGTCAAA-3'

ClinVar aggregate classification (germline): Pathogenic (1 of 4 stars; one submission).

Submission:

Labcorp Genetics (formerly Invitae), Labcorp
Classification: Pathogenic. Last evaluated: 2022-10-19. Review status: criteria provided, single submitter. Criteria: Invitae Variant Classification Sherloc (09022015). Collection method: clinical testing. Allele origin: germline.
Comment: For these reasons, this variant has been classified as Pathogenic. This variant has not been reported in the literature in individuals affected with DCHS1-related conditions. This variant is not present in population databases (gnomAD no frequency). This sequence change creates a premature translational stop signal (p.Tyr1860*) in the DCHS1 gene. It is expected to result in an absent or disrupted protein product. Loss-of-function variants in DCHS1 are known to be pathogenic (PMID: 24056717, 26258302).

Literature cited by the submitters: PubMed 24056717; PubMed 26258302.